The following is an entry in ClinVar:

NM_198514.4(NHLRC2):c.1104A>T (p.Ala368=)

Gene: NHLRC2 (NHL repeat containing 2; plus strand). Cytogenetic location: 10q25.3.
Variant type: single nucleotide variant.
Coding change: c.1104A>T on transcript NM_198514.4 (MANE Select); coding-DNA position 1104, A replaced by T.
Protein change: p.Ala368=; no amino-acid change (alanine 368 retained).
Molecular consequence: synonymous variant.
Genome position (GRCh38, 1-based): chr10:113,898,174, A>T. VCF-style: chr10-113898174-A-T. GRCh37 (hg19) VCF-style: chr10-115657933-A-T.
Identifiers: ClinVar variation 3250568 (VCV003250568.18), dbSNP rs776191573.

ClinVar aggregate classification (germline): Likely benign (1 of 4 stars; one submission).

Allele frequency attached by ClinVar (database versions not stated): gnomAD 0.00010; ExAC 0.00011; gnomAD exomes 0.00018.
gnomAD v4.1: 286 of 1,612,830 alleles (0.018%); highest among the groups gnomAD compares: Middle Eastern, 0.033%; no homozygotes.

Submission:

CeGaT Center for Human Genetics Tuebingen
Classification: Likely benign. Last evaluated: 2024-06-01. Review status: criteria provided, single submitter. Criteria: CeGaT Center For Human Genetics Tuebingen Variant Classification Criteria Version 2. Collection method: clinical testing. Allele origin: germline. Affected: yes. Observed: 1 variant allele.
Comment: NHLRC2: BP4, BP7